The following is an entry in ClinVar:

ClinVar aggregate classification (germline): Uncertain significance. Review status: criteria provided, multiple submitters, no conflicts (2 of 4 stars). 3 submissions from 3 submitters: Uncertain significance (3). Last evaluated 2023-06-02.

Conditions:
Inborn genetic diseases. Identifiers: MedGen C0950123, MeSH D030342.
Hereditary spastic paraplegia 47. Also called: CEREBRAL PALSY, SPASTIC QUADRIPLEGIC, 5; adaptor protein 4 (AP-4) deficiency syndrome; Spastic paraplegia 47, autosomal recessive. Identifiers: Orphanet 280763, MedGen C3279738, MONDO:0013551, OMIM 614066.

Submissions (3):

Ambry Genetics
Classification: Uncertain significance for Inborn genetic diseases. Last evaluated: 2023-06-02. Review status: criteria provided, single submitter. Criteria: Ambry Variant Classification Scheme 2023. Collection method: clinical testing. Allele origin: germline.

Genome-Nilou Lab
Classification: Uncertain significance for Hereditary spastic paraplegia 47. Last evaluated: 2023-04-11. Review status: criteria provided, single submitter. Criteria: ACMG Guidelines, 2015. Collection method: clinical testing. Allele origin: germline. Affected: no.

Labcorp Genetics (formerly Invitae), Labcorp
Classification: Uncertain significance for Hereditary spastic paraplegia 47. Last evaluated: 2022-08-15. Review status: criteria provided, single submitter. Criteria: Invitae Variant Classification Sherloc (09022015). Collection method: clinical testing. Allele origin: germline.
Comment: This sequence change replaces methionine, which is neutral and non-polar, with valine, which is neutral and non-polar, at codon 100 of the AP4B1 protein (p.Met100Val). This variant is present in population databases (rs752682155, gnomAD 0.003%). This variant has not been reported in the literature in individuals affected with AP4B1-related conditions. ClinVar contains an entry for this variant (Variation ID: 1362639). Algorithms developed to predict the effect of missense changes on protein structure and function are either unavailable or do not agree on the potential impact of this missense change (SIFT: "Deleterious"; PolyPhen-2: "Benign"; Align-GVGD: "Class C0"). In summary, the available evidence is currently insufficient to determine the role of this variant in disease. Therefore, it has been classified as a Variant of Uncertain Significance.

NM_001253852.3(AP4B1):c.298A>G (p.Met100Val)

Gene: AP4B1 (adaptor related protein complex 4 subunit beta 1; minus strand). Cytogenetic location: 1p13.2.
Variant type: single nucleotide variant.
Coding change: c.298A>G on transcript NM_001253852.3 (MANE Select); coding-DNA position 298, A replaced by G.
Protein change: p.Met100Val; replaces methionine 100 with valine.
Molecular consequence: missense variant. On other transcripts: initiator codon variant (1), intron variant (1).
Genome position (GRCh38, 1-based): chr1:113,902,678, T>C on the plus strand (A>G on the coding strand, the complement: AP4B1 is on the minus strand). VCF-style: chr1-113902678-T-C. GRCh37 (hg19) VCF-style: chr1-114445300-T-C.
Other names: c.1A>G, p.Met1Val (NM_001253853.3); c.298A>G, p.Met100Val (NM_006594.5); c.113+1927A>G (NM_001308312.2); c.298A>G (NM_006594.2); short protein forms M1V, M100V.
Identifiers: ClinVar variation 1362639 (VCV001362639.6), dbSNP rs752682155, ClinGen allele CA1016144.